The following is an entry in ClinVar:

NM_003601.4(SMARCA5):c.1775G>A (p.Arg592Gln)

Gene: SMARCA5 (SNF2 related chromatin remodeling ATPase 5; plus strand). Cytogenetic location: 4q31.21.
Variant type: single nucleotide variant.
Coding change: c.1775G>A on transcript NM_003601.4 (MANE Select); coding-DNA position 1775, G replaced by A.
Protein change: p.Arg592Gln; replaces arginine 592 with glutamine.
Molecular consequence: missense variant.
Genome position (GRCh38, 1-based): chr4:143,540,367, G>A. VCF-style: chr4-143540367-G-A. GRCh37 (hg19) VCF-style: chr4-144461520-G-A.
Other names: short protein forms R592Q.
Identifiers: ClinVar variation 4856174 (VCV004856174.2).

ClinVar aggregate classification (germline): Uncertain significance. Review status: criteria provided, single submitter (1 of 4 stars). 2 submissions from 2 submitters: Uncertain significance (1). 1 of the submissions does not count toward it. Last evaluated 2025-06-12.

Conditions:
SMARCA5-related disorder. Also called: SMARCA5-related condition; SMARCA5-Related Disorders.
LI-HAKONARSON SYNDROME (LHS). Identifiers: MedGen CN382637, OMIM 621786.

Submissions (2):

3billion
Classification: Uncertain significance for SMARCA5-related disorder. Last evaluated: 2025-06-12. Review status: criteria provided, single submitter. Criteria: ACMG Guidelines, 2015. Collection method: clinical testing. Allele origin: germline. Affected: yes.
Comment: The variant is not observed in the gnomAD v4.1.0 dataset. Predicted Consequence/Location: Missense variant. Missense changes are a common disease-causing mechanism. In silico tool predictions suggest damaging effect of the variant on gene or gene product [REVEL: 0.94 (>=0.6, sensitivity 0.68 and specificity 0.92); 3Cnet: 0.96 (> 0.75, sensitivity 0.96 and precision 0.92)]. The same nucleotide change resulting in the same amino acid change has been previously reported to be associated with SMARCA5-related disorder (PMID: 33980485). The variant has been previously reported as de novo in a similarly affected individual (PMID: 33980485). Therefore, this variant is classified as VUS according to the recommendation of ACMG/AMP guideline.

OMIM
Classification: Pathogenic for LI-HAKONARSON SYNDROME. Last evaluated: 2026-11-11. Review status: no assertion criteria provided. Collection method: literature only. Allele origin: germline. Not counted in ClinVar's aggregate classification.

Literature cited by the submitters: PubMed 33980485 (cited by 3billion and OMIM).